The following is an entry in ClinVar:

ClinVar aggregate classification (germline): Uncertain significance. Review status: criteria provided, multiple submitters, no conflicts (2 of 4 stars). 3 submissions from 3 submitters: Uncertain significance (3). Last evaluated 2025-06-09.

Conditions:
Pheochromocytoma/paraganglioma syndrome 3. Also called: GLOMUS TUMORS, FAMILIAL, 3; SDHC-Related Hereditary Paraganglioma-Pheochromocytoma Syndrome (Paragangliomas 3); Paragangliomas 3; SDHC-Related Hereditary Paraganglioma-Pheochromocytoma Syndrome. Identifiers: Orphanet 29072, MedGen C1854336, MONDO:0011544, OMIM 605373.
Gastrointestinal stromal tumor. Also called: Gastrointestinal stromal tumor, somatic; Gastrointestinal stroma tumor. Identifiers: Orphanet 44890, MedGen C0238198, MeSH D046152, MONDO:0011719, OMIM 606764, HP:0100723.
Hereditary cancer-predisposing syndrome. Also called: Neoplastic Syndromes, Hereditary; Hereditary Cancer Syndrome; Hereditary neoplastic syndrome; Tumor predisposition. Identifiers: Orphanet 140162, MedGen C0027672, MeSH D009386, MONDO:0015356.

Allele frequency attached by ClinVar (database versions not stated): gnomAD exomes below 0.00001; ExAC 0.00001; gnomAD 0.00001; TOPMed 0.00001; 1000 Genomes Project 30x 0.00016; 1000 Genomes Project 0.00020.

Submissions (3):

Labcorp Genetics (formerly Invitae), Labcorp
Classification: Uncertain significance for Pheochromocytoma/paraganglioma syndrome 3; Gastrointestinal stromal tumor. Last evaluated: 2025-06-09. Review status: criteria provided, single submitter. Criteria: Invitae Variant Classification Sherloc (09022015). Collection method: clinical testing. Allele origin: germline.
Comment: This sequence change replaces valine, which is neutral and non-polar, with phenylalanine, which is neutral and non-polar, at codon 82 of the SDHC protein (p.Val82Phe). This variant is present in population databases (rs570325845, gnomAD 0.003%). This variant has not been reported in the literature in individuals affected with SDHC-related conditions. ClinVar contains an entry for this variant (Variation ID: 407061). An algorithm developed to predict the effect of missense changes on protein structure and function (PolyPhen-2) suggests that this variant is likely to be tolerated. In summary, the available evidence is currently insufficient to determine the role of this variant in disease. Therefore, it has been classified as a Variant of Uncertain Significance.

Ambry Genetics
Classification: Uncertain significance for Hereditary cancer-predisposing syndrome. Last evaluated: 2024-09-25. Review status: criteria provided, single submitter. Criteria: Ambry Variant Classification Scheme 2023. Collection method: clinical testing. Allele origin: germline.
Comment: The p.V82F variant (also known as c.244G>T), located in coding exon 5 of the SDHC gene, results from a G to T substitution at nucleotide position 244. The valine at codon 82 is replaced by phenylalanine, an amino acid with highly similar properties. In one study, this alteration was reported in 3/1020 healthy Spanish individuals (L&oacute;pez-Jim&eacute;nez E et al. Clin. Endocrinol. (Oxf), 2008 Dec;69:906-10). This amino acid position is highly conserved in available vertebrate species. In addition, the in silico prediction for this alteration is inconclusive. Since supporting evidence is limited at this time, the clinical significance of this alteration remains unclear.

Baylor Genetics
Classification: Uncertain significance for Gastrointestinal stromal tumor. Last evaluated: 2024-03-24. Review status: criteria provided, single submitter. Criteria: ACMG Guidelines, 2015. Collection method: clinical testing. Allele origin: unknown.

Literature cited by the submitters: PubMed 18681855 (cited by Ambry Genetics).

NM_003001.5(SDHC):c.244G>T (p.Val82Phe)

Gene: SDHC (succinate dehydrogenase complex subunit C; plus strand). Cytogenetic location: 1q23.3.
Variant type: single nucleotide variant.
Coding change: c.244G>T on transcript NM_003001.5 (MANE Select); coding-DNA position 244, G replaced by T.
Protein change: p.Val82Phe; replaces valine 82 with phenylalanine.
Molecular consequence: missense variant. On other transcripts: non-coding transcript variant (1), intron variant (3).
Genome position (GRCh38, 1-based): chr1:161,356,679, G>T. VCF-style: chr1-161356679-G-T. GRCh37 (hg19) VCF-style: chr1-161326469-G-T.
Other names: c.142G>T, p.Val48Phe (NM_001035512.3); c.85G>T, p.Val29Phe (NM_001035513.3); c.364G>T, p.Val122Phe (NM_001407115.1); c.187G>T, p.Val63Phe (NM_001407116.1); c.181G>T, p.Val61Phe (NM_001407117.1); c.136G>T, p.Val46Phe (NM_001407118.1); c.133G>T, p.Val45Phe (NM_001407119.1, NM_001407120.1); c.242-5650G>T (NM_001035511.3); and 2 more; short protein forms V82F, V29F, V48F, V45F, V61F, V63F, V122F, V46F.
Identifiers: ClinVar variation 407061 (VCV000407061.12), dbSNP rs570325845, ClinGen allele CA047220.